The following is an entry in ClinVar:

ClinVar aggregate classification (germline): Uncertain significance (1 of 4 stars; one submission).

Conditions:
MED13-related disorder. Also called: MED13-related condition.

Submission:

PreventionGenetics, part of Exact Sciences
Classification: Uncertain significance for MED13-related condition. Last evaluated: 2023-04-17. Review status: criteria provided, single submitter. Criteria: ACMG Guidelines, 2015. Collection method: clinical testing. Allele origin: germline.
Comment: The MED13 c.2225A>C variant is predicted to result in the amino acid substitution p.Glu742Ala. To our knowledge, this variant has not been reported in the literature or in a large population database, indicating this variant is rare. At this time, the clinical significance of this variant is uncertain due to the absence of conclusive functional and genetic evidence.

NM_005121.3(MED13):c.2225A>C (p.Glu742Ala)

Gene: MED13 (mediator complex subunit 13; minus strand). Cytogenetic location: 17q23.2.
Variant type: single nucleotide variant.
Coding change: c.2225A>C on transcript NM_005121.3 (MANE Select); coding-DNA position 2225, A replaced by C.
Protein change: p.Glu742Ala; replaces glutamic acid 742 with alanine.
Molecular consequence: missense variant.
Genome position (GRCh38, 1-based): chr17:61,992,578, T>G on the plus strand (A>C on the coding strand, the complement: MED13 is on the minus strand). VCF-style: chr17-61992578-T-G. GRCh37 (hg19) VCF-style: chr17-60069939-T-G.
Other names: short protein forms E742A.
Identifiers: ClinVar variation 2632783 (VCV002632783.1), dbSNP rs2509296991, ClinGen allele CA400514093.